The following is an entry in ClinVar:

NM_001029883.3(PCARE):c.1648G>A (p.Glu550Lys)

Gene: PCARE (photoreceptor cilium actin regulator; minus strand). Cytogenetic location: 2p23.2.
Variant type: single nucleotide variant.
Coding change: c.1648G>A on transcript NM_001029883.3 (MANE Select); coding-DNA position 1648, G replaced by A.
Protein change: p.Glu550Lys; replaces glutamic acid 550 with lysine.
Molecular consequence: missense variant.
Genome position (GRCh38, 1-based): chr2:29,072,614, C>T on the plus strand (G>A on the coding strand, the complement: PCARE is on the minus strand). VCF-style: chr2-29072614-C-T. GRCh37 (hg19) VCF-style: chr2-29295480-C-T.
Other names: c.1648G>A (NM_001029883.1); short protein forms E550K.
Identifiers: ClinVar variation 335656 (VCV000335656.32), dbSNP rs200809211, ClinGen allele CA1592380.
Genomic context (GRCh38, chr2:29,072,614, plus strand): 5'-CCTCCTCCTCCTCAGACCAGTCCTGGTGCCCACAGGGCACAGGGACAAACTTGATCCTTT[C>T]GCTGATTGACTCCTTCATCTTCAGAATCATTTCCTGGGCCTGGAGGCTCCTAAGCCTCCT-3'
Protein context (NP_001025054.1, residues 540-560): MILKMKESIS[Glu550Lys]RIKFVPVPCG

ClinVar aggregate classification (germline): Uncertain significance. Review status: criteria provided, multiple submitters, no conflicts (2 of 4 stars). 6 submissions from 6 submitters: Uncertain significance (5). 1 of the submissions does not count toward it. Last evaluated 2024-09-16.

Conditions:
Retinal dystrophy. Also called: Inherited retinal dystrophy. Identifiers: Orphanet 71862, MedGen C0854723, MeSH D058499, MONDO:0019118, HP:0000556.
Inborn genetic diseases. Identifiers: MedGen C0950123, MeSH D030342.
Retinitis pigmentosa (RP). Identifiers: Orphanet 791, MedGen C0035334, MeSH D012174, MONDO:0019200, OMIM 268000. Inheritance: Autosomal dominant, autosomal recessive and X linked inheritance.

Allele frequency attached by ClinVar (database versions not stated): ESP Exome Variant Server 0.00008; 1000 Genomes Project 30x 0.00016; gnomAD exomes 0.00018; 1000 Genomes Project 0.00020; TOPMed 0.00020; ExAC 0.00021; gnomAD 0.00021.

Submissions (6):

Blueprint Genetics
Classification: Uncertain significance. Last evaluated: 2024-09-16. Review status: criteria provided, single submitter. Criteria: ACMG Guidelines, 2015. Collection method: clinical testing. Allele origin: germline.

Labcorp Genetics (formerly Invitae), Labcorp
Classification: Uncertain significance. Last evaluated: 2024-01-22. Review status: criteria provided, single submitter. Criteria: Invitae Variant Classification Sherloc (09022015). Collection method: clinical testing. Allele origin: germline.
Comment: This sequence change replaces glutamic acid, which is acidic and polar, with lysine, which is basic and polar, at codon 550 of the PCARE protein (p.Glu550Lys). This variant is present in population databases (rs200809211, gnomAD 0.03%). This variant has not been reported in the literature in individuals affected with PCARE-related conditions. ClinVar contains an entry for this variant (Variation ID: 335656). Algorithms developed to predict the effect of missense changes on protein structure and function output the following: SIFT: "Not Available"; PolyPhen-2: "Possibly Damaging"; Align-GVGD: "Not Available". The lysine amino acid residue is found in multiple mammalian species, which suggests that this missense change does not adversely affect protein function. In summary, the available evidence is currently insufficient to determine the role of this variant in disease. Therefore, it has been classified as a Variant of Uncertain Significance.

CeGaT Center for Human Genetics Tuebingen
Classification: Uncertain significance. Last evaluated: 2024-01-01. Review status: criteria provided, single submitter. Criteria: CeGaT Center For Human Genetics Tuebingen Variant Classification Criteria Version 2. Collection method: clinical testing. Allele origin: germline. Affected: yes. Observed: 1 variant allele.
Comment: PCARE: PM2:Supporting, BP4

Ambry Genetics
Classification: Uncertain significance for Inborn genetic diseases. Last evaluated: 2021-09-17. Review status: criteria provided, single submitter. Criteria: Ambry Variant Classification Scheme 2023. Collection method: clinical testing. Allele origin: germline.

Illumina Laboratory Services, Illumina
Classification: Uncertain significance for Retinitis pigmentosa. Last evaluated: 2018-01-13. Review status: criteria provided, single submitter. Criteria: ICSL Variant Classification Criteria 13 December 2019. Collection method: clinical testing. Allele origin: germline.

Institute of Human Genetics, Univ. Regensburg, Univ. Regensburg
Classification: Uncertain significance for Retinal dystrophy. Last evaluated: 2022-01-01. Review status: no assertion criteria provided. Criteria: ACMG Guidelines, 2015. Collection method: clinical testing. Allele origin: germline. Affected: yes. Not counted in ClinVar's aggregate classification.